The following is an entry in ClinVar:

NM_015259.6(ICOSLG):c.83T>A (p.Met28Lys)

Gene: ICOSLG (inducible T cell costimulator ligand; minus strand). Cytogenetic location: 21q22.3.
Variant type: single nucleotide variant.
Coding change: c.83T>A on transcript NM_015259.6 (MANE Select); coding-DNA position 83, T replaced by A.
Protein change: p.Met28Lys; replaces methionine 28 with lysine.
Molecular consequence: missense variant. On other transcripts: initiator codon variant (1), intron variant (2).
Genome position (GRCh38, 1-based): chr21:44,237,190, A>T on the plus strand (T>A on the coding strand, the complement: ICOSLG is on the minus strand). VCF-style: chr21-44237190-A-T. GRCh37 (hg19) VCF-style: chr21-45657073-A-T.
Other names: c.83T>A, p.Met28Lys (NM_001283050.2, NM_001395918.1); c.2T>A, p.Met1Lys (NM_001365759.2); c.55+1258T>A (NM_001283051.2); c.-48-125T>A (NM_001283052.2); short protein forms M1K, M28K.
Identifiers: ClinVar variation 3690024 (VCV003690024.2).

ClinVar aggregate classification (germline): Uncertain significance (1 of 4 stars; one submission).

Submission:

Labcorp Genetics (formerly Invitae), Labcorp
Classification: Uncertain significance. Last evaluated: 2024-11-19. Review status: criteria provided, single submitter. Criteria: Invitae Variant Classification Sherloc (09022015). Collection method: clinical testing. Allele origin: germline.
Comment: This sequence change replaces methionine, which is neutral and non-polar, with lysine, which is basic and polar, at codon 28 of the ICOSLG protein (p.Met28Lys). This variant is not present in population databases (gnomAD no frequency). This variant has not been reported in the literature in individuals affected with ICOSLG-related conditions. An algorithm developed to predict the effect of missense changes on protein structure and function (PolyPhen-2) suggests that this variant is likely to be tolerated. In summary, the available evidence is currently insufficient to determine the role of this variant in disease. Therefore, it has been classified as a Variant of Uncertain Significance.